The following is an entry in ClinVar:

NM_000051.4(ATM):c.1550T>G (p.Val517Gly)

Gene: ATM (ATM serine/threonine kinase; plus strand). Cytogenetic location: 11q22.3.
Variant type: single nucleotide variant.
Coding change: c.1550T>G on transcript NM_000051.4 (MANE Select); coding-DNA position 1550, T replaced by G.
Protein change: p.Val517Gly; replaces valine 517 with glycine.
Molecular consequence: missense variant.
Genome position (GRCh38, 1-based): chr11:108,251,015, T>G. VCF-style: chr11-108251015-T-G. GRCh37 (hg19) VCF-style: chr11-108121742-T-G.
Other names: c.1550T>G, p.Val517Gly (NM_001351834.2); short protein forms V517G.
Identifiers: ClinVar variation 230831 (VCV000230831.13), dbSNP rs777986229, ClinGen allele CA10579014.

ClinVar aggregate classification (germline): Uncertain significance. Review status: criteria provided, multiple submitters, no conflicts (2 of 4 stars). 2 submissions from 2 submitters: Uncertain significance (2). Last evaluated 2025-05-07.

Conditions:
Hereditary cancer-predisposing syndrome. Also called: Hereditary Cancer Syndrome; Neoplastic Syndromes, Hereditary; Tumor predisposition; Hereditary neoplastic syndrome. Identifiers: Orphanet 140162, MedGen C0027672, MeSH D009386, MONDO:0015356.
Ataxia-telangiectasia syndrome (AT). Also called: Ataxia telangiectasia (A-T); Ataxia-telangiectasia, complementation group E; LOUIS-BAR SYNDROME; Cerebello-oculocutaneous telangiectasia; Immunodeficiency with ataxia telangiectasia; Ataxia-telangiectasia, complementation group D. Identifiers: Orphanet 100, MedGen C0004135, MONDO:0008840, OMIM 208900.

Allele frequency attached by ClinVar (database versions not stated): gnomAD 0.00001; TOPMed 0.00001.
gnomAD v4.1: 2 of 1,614,070 alleles (0.00012%); highest among the groups gnomAD compares: African/African-American, 0.0027%; no homozygotes.

Submissions (2):

Labcorp Genetics (formerly Invitae), Labcorp
Classification: Uncertain significance for Ataxia-telangiectasia syndrome. Last evaluated: 2025-05-07. Review status: criteria provided, single submitter. Criteria: Invitae Variant Classification Sherloc (09022015). Collection method: clinical testing. Allele origin: germline.
Comment: This sequence change replaces valine, which is neutral and non-polar, with glycine, which is neutral and non-polar, at codon 517 of the ATM protein (p.Val517Gly). This variant is not present in population databases (gnomAD no frequency). This variant has not been reported in the literature in individuals affected with ATM-related conditions. ClinVar contains an entry for this variant (Variation ID: 230831). Invitae Evidence Modeling of protein sequence and biophysical properties (such as structural, functional, and spatial information, amino acid conservation, physicochemical variation, residue mobility, and thermodynamic stability) indicates that this missense variant is not expected to disrupt ATM protein function with a negative predictive value of 95%. In summary, the available evidence is currently insufficient to determine the role of this variant in disease. Therefore, it has been classified as a Variant of Uncertain Significance.

Ambry Genetics
Classification: Uncertain significance for Hereditary cancer-predisposing syndrome. Last evaluated: 2024-12-05. Review status: criteria provided, single submitter. Criteria: Ambry Variant Classification Scheme 2023. Collection method: clinical testing. Allele origin: germline.
Comment: The p.V517G variant (also known as c.1550T>G), located in coding exon 9 of the ATM gene, results from a T to G substitution at nucleotide position 1550. The valine at codon 517 is replaced by glycine, an amino acid with dissimilar properties. This amino acid position is not well conserved in available vertebrate species. In addition, the in silico prediction for this alteration is inconclusive. Since supporting evidence is limited at this time, the clinical significance of this alteration remains unclear.